The following is an entry in ClinVar:

NM_194248.3(OTOF):c.227+1G>A

Gene: OTOF (otoferlin; minus strand). Cytogenetic location: 2p23.3.
Variant type: single nucleotide variant.
Coding change: c.227+1G>A on transcript NM_194248.3 (MANE Select); the canonical splice donor site of the intron after coding-DNA position 227, G replaced by A.
Molecular consequence: splice donor variant.
Genome position (GRCh38, 1-based): chr2:26,527,831, C>T on the plus strand (G>A on the coding strand, the complement: OTOF is on the minus strand). VCF-style: chr2-26527831-C-T. GRCh37 (hg19) VCF-style: chr2-26750699-C-T.
Other names: c.227+1G>A (NM_001287489.2).
Identifiers: ClinVar variation 2750904 (VCV002750904.3), dbSNP rs774630352, ClinGen allele CA1564763.
Genomic context (GRCh38, chr2:26,527,831, plus strand): 5'-GGAGAAGAGCAGGCTCCCAGCCCGTCCAGGCCCAGCCCCTCCTGCCCCATCCCACACTTA[C>T]TTGTTGCTGAAGACTTTGCTGTAGTTGAAAACCTGAATCTCCAGCATCTCATTTCTGTCG-3'

ClinVar aggregate classification (germline): Likely pathogenic (1 of 4 stars; one submission).

Allele frequency attached by ClinVar (database versions not stated): ExAC 0.00001.

Submission:

Labcorp Genetics (formerly Invitae), Labcorp
Classification: Likely pathogenic. Last evaluated: 2023-10-23. Review status: criteria provided, single submitter. Criteria: Invitae Variant Classification Sherloc (09022015). Collection method: clinical testing. Allele origin: germline.
Comment: This sequence change affects a donor splice site in intron 3 of the OTOF gene. It is expected to disrupt RNA splicing. Variants that disrupt the donor or acceptor splice site typically lead to a loss of protein function (PMID: 16199547), and loss-of-function variants in OTOF are known to be pathogenic (PMID: 18381613, 19250381, 22575033). This variant is present in population databases (rs774630352, gnomAD 0.006%). This variant has not been reported in the literature in individuals affected with OTOF-related conditions. Algorithms developed to predict the effect of sequence changes on RNA splicing suggest that this variant may disrupt the consensus splice site. In summary, the currently available evidence indicates that the variant is pathogenic, but additional data are needed to prove that conclusively. Therefore, this variant has been classified as Likely Pathogenic.

Literature cited by the submitters: PubMed 16199547; PubMed 18381613; PubMed 19250381; PubMed 22575033.